The following is an entry in ClinVar:

ClinVar aggregate classification (germline): Likely benign (1 of 4 stars; one submission).

gnomAD v4.1: 1 of 151,642 alleles (0.00066%); highest among the groups gnomAD compares: African/African-American, 0.0024%; no homozygotes.

Submission:

CeGaT Center for Human Genetics Tuebingen
Classification: Likely benign. Last evaluated: 2025-02-01. Review status: criteria provided, single submitter. Criteria: CeGaT Center For Human Genetics Tuebingen Variant Classification Criteria Version 2. Collection method: clinical testing. Allele origin: germline. Affected: yes. Observed: 1 variant allele.
Comment: ASPM: BP4, BP7

NM_018136.5(ASPM):c.8821-1298G>A

Gene: ASPM (assembly factor for spindle microtubules; minus strand). Cytogenetic location: 1q31.3.
Variant type: single nucleotide variant.
Coding change: c.8821-1298G>A on transcript NM_018136.5 (MANE Select); 1298 bases into the intron before coding-DNA position 8821, G replaced by A.
Molecular consequence: intron variant.
Genome position (GRCh38, 1-based): chr1:197,097,462, C>T on the plus strand (G>A on the coding strand, the complement: ASPM is on the minus strand). VCF-style: chr1-197097462-C-T. GRCh37 (hg19) VCF-style: chr1-197066592-C-T.
Other names: c.4066-1298G>A (NM_001206846.2).
Identifiers: ClinVar variation 3771965 (VCV003771965.13).